The following is an entry in ClinVar:

ClinVar aggregate classification (germline): Uncertain significance (1 of 4 stars; one submission).

Conditions:
TNF receptor-associated periodic fever syndrome (TRAPS) (FPF). Also called: FAMILIAL HIBERNIAN FEVER; TNF Receptor-Associated Periodic Fever Syndrome; TNF receptor 1-associated periodic fever syndrome; TNF RECEPTOR-ASSOCIATED PERIODIC SYNDROME; TUMOR NECROSIS FACTOR RECEPTOR-ASSOCIATED PERIODIC SYNDROME; Autosomal Dominant Familial Periodic Fever. Identifiers: Orphanet 32960, MedGen C1275126, MONDO:0007727, OMIM 142680.

Submission:

Labcorp Genetics (formerly Invitae), Labcorp
Classification: Uncertain significance for TNF receptor-associated periodic fever syndrome (TRAPS). Last evaluated: 2022-02-10. Review status: criteria provided, single submitter. Criteria: Invitae Variant Classification Sherloc (09022015). Collection method: clinical testing. Allele origin: germline.
Comment: This variant has not been reported in the literature in individuals affected with TNFRSF1A-related conditions. This variant is not present in population databases (gnomAD no frequency). This sequence change replaces proline, which is neutral and non-polar, with serine, which is neutral and polar, at codon 451 of the TNFRSF1A protein (p.Pro451Ser). Advanced modeling of protein sequence and biophysical properties (such as structural, functional, and spatial information, amino acid conservation, physicochemical variation, residue mobility, and thermodynamic stability) performed at Invitae indicates that this missense variant is not expected to disrupt TNFRSF1A protein function. In summary, the available evidence is currently insufficient to determine the role of this variant in disease. Therefore, it has been classified as a Variant of Uncertain Significance.

NM_001065.4(TNFRSF1A):c.1351C>T (p.Pro451Ser)

Gene: TNFRSF1A (TNF receptor superfamily member 1A; minus strand). Cytogenetic location: 12p13.31.
Variant type: single nucleotide variant.
Coding change: c.1351C>T on transcript NM_001065.4 (MANE Select); coding-DNA position 1351, C replaced by T.
Protein change: p.Pro451Ser; replaces proline 451 with serine.
Molecular consequence: missense variant. On other transcripts: non-coding transcript variant (1).
Genome position (GRCh38, 1-based): chr12:6,329,329, G>A on the plus strand (C>T on the coding strand, the complement: TNFRSF1A is on the minus strand). VCF-style: chr12-6329329-G-A. GRCh37 (hg19) VCF-style: chr12-6438495-G-A.
Other names: c.1027C>T, p.Pro343Ser (NM_001346091.2); c.892C>T, p.Pro298Ser (NM_001346092.2); short protein forms P343S, P451S, P298S.
Identifiers: ClinVar variation 1414067 (VCV001414067.8), dbSNP rs2136811861, ClinGen allele CA383544238.